The following is an entry in ClinVar:

NM_002432.3(MNDA):c.804A>G (p.Ile268Met)

Gene: MNDA (myeloid cell nuclear differentiation antigen; plus strand). Cytogenetic location: 1q23.1.
Variant type: single nucleotide variant.
Coding change: c.804A>G on transcript NM_002432.3 (MANE Select); coding-DNA position 804, A replaced by G.
Protein change: p.Ile268Met; replaces isoleucine 268 with methionine.
Molecular consequence: missense variant.
Genome position (GRCh38, 1-based): chr1:158,845,820, A>G. VCF-style: chr1-158845820-A-G. GRCh37 (hg19) VCF-style: chr1-158815610-A-G.
Other names: short protein forms I268M.
Identifiers: ClinVar variation 3397266 (VCV003397266.1).

ClinVar aggregate classification (germline): Uncertain significance (1 of 4 stars; one submission).

Submission:

Ambry Genetics
Classification: Uncertain significance. Last evaluated: 2024-10-12. Review status: criteria provided, single submitter. Criteria: Ambry Variant Classification Scheme 2023. Collection method: clinical testing. Allele origin: germline.
Comment: The p.I268M variant (also known as c.804A>G), located in coding exon 4 of the MNDA gene, results from an A to G substitution at nucleotide position 804. The isoleucine at codon 268 is replaced by methionine, an amino acid with highly similar properties. This amino acid position is conserved. In addition, this alteration is predicted to be tolerated by in silico analysis. Based on the available evidence, the clinical significance of this variant remains unclear.